The following is an entry in ClinVar:

ClinVar aggregate classification (germline): Uncertain significance (1 of 4 stars; one submission).

Conditions:
Chédiak-Higashi syndrome (CHS). Also called: Chediak-Higashi Syndrome. Identifiers: Orphanet 167, MedGen C0007965, MONDO:0008963, OMIM 214500.

Allele frequency attached by ClinVar (database versions not stated): gnomAD exomes below 0.00001.
gnomAD v4.1: 1 of 1,614,130 alleles (0.000062%); highest among the groups gnomAD compares: South Asian, 0.0011%; no homozygotes.

Submission:

Labcorp Genetics (formerly Invitae), Labcorp
Classification: Uncertain significance for Chédiak-Higashi syndrome. Last evaluated: 2023-03-08. Review status: criteria provided, single submitter. Criteria: Invitae Variant Classification Sherloc (09022015). Collection method: clinical testing. Allele origin: germline.
Comment: Advanced modeling of protein sequence and biophysical properties (such as structural, functional, and spatial information, amino acid conservation, physicochemical variation, residue mobility, and thermodynamic stability) performed at Invitae indicates that this missense variant is expected to disrupt LYST protein function. Algorithms developed to predict the effect of sequence changes on RNA splicing suggest that this variant may create or strengthen a splice site. In summary, the available evidence is currently insufficient to determine the role of this variant in disease. Therefore, it has been classified as a Variant of Uncertain Significance. ClinVar contains an entry for this variant (Variation ID: 1491815). This sequence change replaces arginine, which is basic and polar, with cysteine, which is neutral and slightly polar, at codon 3335 of the LYST protein (p.Arg3335Cys). This variant is not present in population databases (gnomAD no frequency). This variant has not been reported in the literature in individuals affected with LYST-related conditions.

NM_000081.4(LYST):c.10003C>T (p.Arg3335Cys)

Genes: LYST (lysosomal trafficking regulator; minus strand), LOC126806063 (MED14-independent group 3 enhancer GRCh37_chr1:235871544-235872743; plus strand). Cytogenetic location: 1q42.3.
Variant type: single nucleotide variant.
Coding change: c.10003C>T on transcript NM_000081.4 (MANE Select); coding-DNA position 10003, C replaced by T.
Protein change: p.Arg3335Cys; replaces arginine 3335 with cysteine.
Molecular consequence: missense variant.
Genome position (GRCh38, 1-based): chr1:235,709,231, G>A on the plus strand (C>T on the coding strand, the complement: LYST is on the minus strand). VCF-style: chr1-235709231-G-A. GRCh37 (hg19) VCF-style: chr1-235872531-G-A.
Other names: c.10003C>T, p.Arg3335Cys (NM_001301365.1); short protein forms R3335C.
Identifiers: ClinVar variation 1491815 (VCV001491815.6), dbSNP rs2527364061, ClinGen allele CA344935460.
Genomic context (GRCh38, chr1:235,709,231, plus strand): 5'-AGATGTTCTGCGACACGTAGTCAGACTCTAGAGCCTGCCGATGGATGAGGATAAAAAGAC[G>A]AGGATCATTACGCGCCCAAGGGGGAAGGTTGACGTGATTAACCCGTTCACCATTCTGACG-3'
Protein context (NP_000072.2, residues 3325-3345): NLPPWARNDP[Arg3335Cys]LFILIHRQAL